The following is an entry in ClinVar:

NM_152269.5(MTRFR):c.459G>C (p.Lys153Asn)

Gene: MTRFR (mitochondrial translation release factor in rescue; plus strand). Cytogenetic location: 12q24.31.
Variant type: single nucleotide variant.
Coding change: c.459G>C on transcript NM_152269.5 (MANE Select); coding-DNA position 459, G replaced by C.
Protein change: p.Lys153Asn; replaces lysine 153 with asparagine.
Molecular consequence: missense variant.
Genome position (GRCh38, 1-based): chr12:123,256,989, G>C. VCF-style: chr12-123256989-G-C. GRCh37 (hg19) VCF-style: chr12-123741536-G-C.
Other names: c.459G>C, p.Lys153Asn (NM_001143905.2, NM_001194995.1); short protein forms K153N.
Identifiers: ClinVar variation 1681664 (VCV001681664.6), dbSNP rs773644413, ClinGen allele CA6856608.

ClinVar aggregate classification (germline): Uncertain significance (1 of 4 stars; one submission).

Conditions:
Combined oxidative phosphorylation defect type 7. Identifiers: Orphanet 254930, MedGen C3150801, MONDO:0013306, OMIM 613559.
Spastic paraplegia. Identifiers: MedGen C0037772, HP:0001258.

Allele frequency attached by ClinVar (database versions not stated): ExAC 0.00001; gnomAD exomes 0.00002.
gnomAD v4.1: 14 of 1,611,824 alleles (0.00087%); highest among the groups gnomAD compares: Non-Finnish European, 0.0012%; no homozygotes.

Submission:

Labcorp Genetics (formerly Invitae), Labcorp
Classification: Uncertain significance for Combined oxidative phosphorylation defect type 7; Spastic paraplegia. Last evaluated: 2023-01-27. Review status: criteria provided, single submitter. Criteria: Invitae Variant Classification Sherloc (09022015). Collection method: clinical testing. Allele origin: germline.
Comment: In summary, the available evidence is currently insufficient to determine the role of this variant in disease. Therefore, it has been classified as a Variant of Uncertain Significance. Algorithms developed to predict the effect of missense changes on protein structure and function are either unavailable or do not agree on the potential impact of this missense change (SIFT: "Deleterious"; PolyPhen-2: "Not Available"; Align-GVGD: "Class C0"). ClinVar contains an entry for this variant (Variation ID: 1681664). This variant has not been reported in the literature in individuals affected with C12orf65-related conditions. This variant is present in population databases (rs773644413, gnomAD 0.003%). This sequence change replaces lysine, which is basic and polar, with asparagine, which is neutral and polar, at codon 153 of the C12orf65 protein (p.Lys153Asn).